The following is an entry in ClinVar:

NM_194248.3(OTOF):c.1240C>T (p.Arg414Cys)

Gene: OTOF (otoferlin; minus strand). Cytogenetic location: 2p23.3.
Variant type: single nucleotide variant.
Coding change: c.1240C>T on transcript NM_194248.3 (MANE Select); coding-DNA position 1240, C replaced by T.
Protein change: p.Arg414Cys; replaces arginine 414 with cysteine.
Molecular consequence: missense variant.
Genome position (GRCh38, 1-based): chr2:26,483,614, G>A on the plus strand (C>T on the coding strand, the complement: OTOF is on the minus strand). VCF-style: chr2-26483614-G-A. GRCh37 (hg19) VCF-style: chr2-26706482-G-A.
Other names: c.1240C>T, p.Arg414Cys (NM_001287489.2); short protein forms R414C.
Identifiers: ClinVar variation 2288763 (VCV002288763.3), dbSNP rs757508030, ClinGen allele CA1564328.

ClinVar aggregate classification (germline): Uncertain significance. Review status: criteria provided, multiple submitters, no conflicts (2 of 4 stars). 2 submissions from 2 submitters: Uncertain significance (2). Last evaluated 2025-01-09.

Conditions:
Inborn genetic diseases. Identifiers: MedGen C0950123, MeSH D030342.

Allele frequency attached by ClinVar (database versions not stated): TOPMed 0.00001; gnomAD exomes 0.00002; ExAC 0.00003.
gnomAD v4.1: 24 of 1,612,996 alleles (0.0015%); highest among the groups gnomAD compares: East Asian, 0.0089%; no homozygotes.

Submissions (2):

GeneDx
Classification: Uncertain significance. Last evaluated: 2025-01-09. Review status: criteria provided, single submitter. Criteria: GeneDx Variant Classification Process June 2021. Collection method: clinical testing. Allele origin: germline. Affected: yes.
Comment: In silico analysis supports that this missense variant has a deleterious effect on protein structure/function; Has not been previously published as pathogenic or benign to our knowledge

Ambry Genetics
Classification: Uncertain significance for Inborn genetic diseases. Last evaluated: 2022-05-11. Review status: criteria provided, single submitter. Criteria: Ambry Variant Classification Scheme 2023. Collection method: clinical testing. Allele origin: germline.